The following is an entry in ClinVar:

NM_004333.6(BRAF):c.2026C>T (p.Pro676Ser)

Gene: BRAF (B-Raf proto-oncogene, serine/threonine kinase; minus strand). Cytogenetic location: 7q34.
Variant type: single nucleotide variant.
Coding change: c.2026C>T on transcript NM_004333.6 (MANE Select); coding-DNA position 2026, C replaced by T.
Protein change: p.Pro676Ser; replaces proline 676 with serine.
Molecular consequence: missense variant.
Genome position (GRCh38, 1-based): chr7:140,739,913, G>A on the plus strand (C>T on the coding strand, the complement: BRAF is on the minus strand). VCF-style: chr7-140739913-G-A. GRCh37 (hg19) VCF-style: chr7-140439713-G-A.
Other names: c.1762C>T, p.Pro588Ser (NM_001378475.1); c.2026C>T, p.Pro676Ser (NM_001354609.2, NM_001378468.1, NM_001378474.1); c.2146C>T, p.Pro716Ser (NM_001374244.1, NM_001374258.1); c.2035C>T, p.Pro679Ser (NM_001378467.1); c.1960C>T, p.Pro654Ser (NM_001378469.1); c.1924C>T, p.Pro642Ser (NM_001378470.1); c.1915C>T, p.Pro639Ser (NM_001378471.1); c.1870C>T, p.Pro624Ser (NM_001378472.1, NM_001378473.1); short protein forms P676S, P588S, P624S, P639S, P642S, P654S, P679S, P716S.
Identifiers: ClinVar variation 453148 (VCV000453148.2), dbSNP rs1554389860, ClinGen allele CA369538459.

ClinVar aggregate classification (germline): Uncertain significance (1 of 4 stars; one submission).

Submission:

GeneDx
Classification: Uncertain significance. Last evaluated: 2017-10-31. Review status: criteria provided, single submitter. Criteria: GeneDx Variant Classification (06012015). Collection method: clinical testing. Allele origin: germline. Affected: yes.
Comment: A variant of uncertain significance has been identified in the BRAF gene. The P676S variant has not been published as a pathogenic variant, nor has it been reported as a benign variant to our knowledge. The P676S variant is not observed in large population cohorts (Lek et al., 2016). The P676S variant is a non-conservative amino acid substitution, which is likely to impact secondary protein structure as these residues differ in polarity, charge, size and/or other properties. Additionally, this substitution occurs at a position that is conserved across species, and in silico analysis predicts this variant is probably damaging to the protein structure/function. Based on the currently available information, it is unclear whether this variant is a pathogenic variant or a rare benign variant.